The following is an entry in ClinVar:

ClinVar aggregate classification (germline): Benign/Likely benign. Review status: criteria provided, multiple submitters, no conflicts (2 of 4 stars). 3 submissions from 3 submitters: Benign (1); Likely benign (2). Last evaluated 2024-07-11.

Conditions:
Hereditary cancer-predisposing syndrome. Also called: Neoplastic Syndromes, Hereditary; Tumor predisposition; Hereditary Cancer Syndrome; Hereditary neoplastic syndrome. Identifiers: Orphanet 140162, MedGen C0027672, MeSH D009386, MONDO:0015356.
BAP1-related tumor predisposition syndrome (TPDS1). Also called: Tumor susceptibility linked to germline BAP1 mutations; COMMON Syndrome; TUMOR PREDISPOSITION SYNDROME 1; BAP1 tumor predisposition syndrome. Identifiers: Orphanet 289539, MedGen C3280492, MONDO:0013692, OMIM 614327.

Submissions (3):

Myriad Genetics, Inc.
Classification: Benign for BAP1-related tumor predisposition syndrome. Last evaluated: 2024-07-11. Review status: criteria provided, single submitter. Criteria: Myriad Autosomal Dominant, Autosomal Recessive and X-Linked Classification Criteria (2023). Collection method: clinical testing. Allele origin: unknown.
Comment: This variant is considered benign. This variant is a silent/synonymous amino acid change and it is not expected to impact splicing.

Ambry Genetics
Classification: Likely benign for Hereditary cancer-predisposing syndrome. Last evaluated: 2022-01-01. Review status: criteria provided, single submitter. Criteria: Ambry Variant Classification Scheme 2023. Collection method: clinical testing. Allele origin: germline.

Color Diagnostics, LLC DBA Color Health
Classification: Likely benign for Hereditary cancer-predisposing syndrome. Last evaluated: 2019-11-25. Review status: criteria provided, single submitter. Criteria: ACMG Guidelines, 2015. Collection method: clinical testing. Allele origin: germline.

NM_004656.4(BAP1):c.171G>A (p.Arg57=)

Gene: BAP1 (BRCA1 associated deubiquitinase 1; minus strand). Cytogenetic location: 3p21.1.
Variant type: single nucleotide variant.
Coding change: c.171G>A on transcript NM_004656.4 (MANE Select); coding-DNA position 171, G replaced by A.
Protein change: p.Arg57=; no amino-acid change (arginine 57 retained).
Molecular consequence: synonymous variant.
Genome position (GRCh38, 1-based): chr3:52,408,558, C>T on the plus strand (G>A on the coding strand, the complement: BAP1 is on the minus strand). VCF-style: chr3-52408558-C-T. GRCh37 (hg19) VCF-style: chr3-52442574-C-T.
Identifiers: ClinVar variation 925543 (VCV000925543.5), dbSNP rs1553646027, ClinGen allele CA433778213.